The following is an entry in ClinVar:

NM_001378454.1(ALMS1):c.4725G>A (p.Glu1575=)

Gene: ALMS1 (ALMS1 centrosome and basal body associated protein; plus strand). Cytogenetic location: 2p13.1.
Variant type: single nucleotide variant.
Coding change: c.4725G>A on transcript NM_001378454.1 (MANE Select); coding-DNA position 4725, G replaced by A.
Protein change: p.Glu1575=; no amino-acid change (glutamic acid 1575 retained).
Molecular consequence: synonymous variant.
Genome position (GRCh38, 1-based): chr2:73,451,252, G>A. VCF-style: chr2-73451252-G-A. GRCh37 (hg19) VCF-style: chr2-73678379-G-A.
Other names: c.4728G>A, p.Glu1576= (NM_015120.4).
Identifiers: ClinVar variation 3053097 (VCV003053097.1), dbSNP rs2466102569, ClinGen allele CA427021129.

ClinVar aggregate classification (germline): Likely benign (1 of 4 stars; one submission).

Conditions:
ALMS1-related disorder. Also called: ALMS1-related condition.

Submission:

PreventionGenetics, part of Exact Sciences
Classification: Likely benign for ALMS1-related condition. Last evaluated: 2022-02-23. Review status: criteria provided, single submitter. Criteria: ACMG Guidelines, 2015. Collection method: clinical testing. Allele origin: germline.
Comment: This variant is classified as likely benign based on ACMG/AMP sequence variant interpretation guidelines (Richards et al. 2015 PMID: 25741868, with internal and published modifications).